The following is an entry in ClinVar:

ClinVar aggregate classification (germline): Likely pathogenic (1 of 4 stars; one submission).

Submission:

Labcorp Genetics (formerly Invitae), Labcorp
Classification: Likely pathogenic. Last evaluated: 2023-12-09. Review status: criteria provided, single submitter. Criteria: Invitae Variant Classification Sherloc (09022015). Collection method: clinical testing. Allele origin: germline.
Comment: This sequence change affects an acceptor splice site in intron 8 of the IMPG2 gene. It is expected to disrupt RNA splicing. Variants that disrupt the donor or acceptor splice site typically lead to a loss of protein function (PMID: 16199547), and loss-of-function variants in IMPG2 are known to be pathogenic (PMID: 20673862). This variant is not present in population databases (gnomAD no frequency). This variant has not been reported in the literature in individuals affected with IMPG2-related conditions. Algorithms developed to predict the effect of sequence changes on RNA splicing suggest that this variant may disrupt the consensus splice site. In summary, the currently available evidence indicates that the variant is pathogenic, but additional data are needed to prove that conclusively. Therefore, this variant has been classified as Likely Pathogenic.

Literature cited by the submitters: PubMed 16199547; PubMed 20673862.

NM_016247.4(IMPG2):c.888-2A>G

Gene: IMPG2 (interphotoreceptor matrix proteoglycan 2; minus strand). Cytogenetic location: 3q12.3.
Variant type: single nucleotide variant.
Coding change: c.888-2A>G on transcript NM_016247.4 (MANE Select); the canonical splice acceptor site of the intron before coding-DNA position 888, A replaced by G.
Molecular consequence: splice acceptor variant.
Genome position (GRCh38, 1-based): chr3:101,267,533, T>C on the plus strand (A>G on the coding strand, the complement: IMPG2 is on the minus strand). VCF-style: chr3-101267533-T-C. GRCh37 (hg19) VCF-style: chr3-100986377-T-C.
Identifiers: ClinVar variation 2699567 (VCV002699567.3), dbSNP rs2508986019, ClinGen allele CA353867358.